The following is an entry in ClinVar:

NM_003803.4(MYOM1):c.2848A>G (p.Met950Val)

Gene: MYOM1 (myomesin 1; minus strand). Cytogenetic location: 18p11.31.
Variant type: single nucleotide variant.
Coding change: c.2848A>G on transcript NM_003803.4 (MANE Select); coding-DNA position 2848, A replaced by G.
Protein change: p.Met950Val; replaces methionine 950 with valine.
Molecular consequence: missense variant.
Genome position (GRCh38, 1-based): chr18:3,126,844, T>C on the plus strand (A>G on the coding strand, the complement: MYOM1 is on the minus strand). VCF-style: chr18-3126844-T-C. GRCh37 (hg19) VCF-style: chr18-3126842-T-C.
Other names: c.2560A>G, p.Met854Val (NM_019856.2); short protein forms M950V, M854V.
Identifiers: ClinVar variation 239572 (VCV000239572.10), dbSNP rs184774935, ClinGen allele CA8874508.

ClinVar aggregate classification (germline): Uncertain significance. Review status: criteria provided, multiple submitters, no conflicts (2 of 4 stars). 3 submissions from 3 submitters: Uncertain significance (3). Last evaluated 2025-12-26.

Conditions:
Cardiomyopathy (CMYO). Also called: Cardiomyopathies. Identifiers: Orphanet 167848, MedGen C0878544, MONDO:0004994, HP:0001638. Inheritance: Various modes of inheritance.
Hypertrophic cardiomyopathy. Also called: HYPERTROPHIC MYOCARDIOPATHY. Identifiers: Orphanet 217569, MedGen C0007194, MeSH D002312, MONDO:0005045, HP:0001639.

Allele frequency attached by ClinVar (database versions not stated): 1000 Genomes Project 30x 0.00016; TOPMed 0.00017; gnomAD 0.00019 and 0.00022; gnomAD exomes 0.00006 and 0.00005; 1000 Genomes Project 0.00020; ESP Exome Variant Server 0.00008; ExAC 0.00005.
gnomAD v4.1: 121 of 1,613,338 alleles (0.0075%); highest among the groups gnomAD compares: African/African-American, 0.067%; no homozygotes.

Submissions (3):

Labcorp Genetics (formerly Invitae), Labcorp
Classification: Uncertain significance for Hypertrophic cardiomyopathy. Last evaluated: 2025-12-26. Review status: criteria provided, single submitter. Criteria: Invitae Variant Classification Sherloc (09022015). Collection method: clinical testing. Allele origin: germline.
Comment: This sequence change replaces methionine, which is neutral and non-polar, with valine, which is neutral and non-polar, at codon 950 of the MYOM1 protein (p.Met950Val). This variant is present in population databases (rs184774935, gnomAD 0.04%). This variant has not been reported in the literature in individuals affected with MYOM1-related conditions. ClinVar contains an entry for this variant (Variation ID: 239572). Invitae Evidence Modeling of protein sequence and biophysical properties (such as structural, functional, and spatial information, amino acid conservation, physicochemical variation, residue mobility, and thermodynamic stability) has been performed for this missense variant. However, the output from this modeling did not meet the statistical confidence thresholds required to predict the impact of this variant on MYOM1 protein function. In summary, the available evidence is currently insufficient to determine the role of this variant in disease. Therefore, it has been classified as a Variant of Uncertain Significance.

Ambry Genetics
Classification: Uncertain significance. Last evaluated: 2025-03-27. Review status: criteria provided, single submitter. Criteria: Ambry Variant Classification Scheme 2023. Collection method: clinical testing. Allele origin: germline.

Victorian Clinical Genetics Services, Murdoch Childrens Research Institute
Classification: Uncertain significance for Cardiomyopathy. Last evaluated: 2020-10-19. Review status: criteria provided, single submitter. Criteria: ACMG Guidelines, 2015. Collection method: clinical testing. Allele origin: germline. Inheritance: Unknown mechanism.
Comment: Based on the classification scheme VCGS_Germline_v1.3.2, this variant is classified as 3B-VUS. Following criteria are met: 0105 - The mechanism of disease for this gene is not clearly established. (I) 0111 - The inheritance pattern for this gene is unknown. No disease association in OMIM and limited evidence in ClinGen for an association with HCM. (I) 0200 - Variant is predicted to result in a missense amino acid change from methionine to valine. (I) 0251 - This variant is heterozygous. (I) 0302 - Variant is present in gnomAD (v2) <0.001 for a dominant condition (19 heterozygote, 0 homozygotes. (I) 0502 - Missense variant with conflicting in silico predictions and uninformative conservation. (I) 0600 - Variant is located in the annotated fibronectin type-III (4) domain (PDB). (I) 0705 - No comparable missense variants have previous evidence for pathogenicity. (I) 0809 - Previous evidence of pathogenicity for this variant is inconclusive. This variant has one VUS entry in ClinVar. (I) 0905 - No published segregation evidence has been identified for this variant. (I) 1007 - No published functional evidence has been identified for this variant. (I) 1208 - Inheritance information for this variant is not currently available in this individual. (I) Legend: (SP) - Supporting pathogenic, (I) - Information, (SB) - Supporting benign